The following is an entry in ClinVar:

NM_001845.6(COL4A1):c.912T>A (p.Pro304=)

Gene: COL4A1 (collagen type IV alpha 1 chain; minus strand). Cytogenetic location: 13q34.
Variant type: single nucleotide variant.
Coding change: c.912T>A on transcript NM_001845.6 (MANE Select); coding-DNA position 912, T replaced by A.
Protein change: p.Pro304=; no amino-acid change (proline 304 retained).
Molecular consequence: synonymous variant.
Genome position (GRCh38, 1-based): chr13:110,205,398, A>T on the plus strand (T>A on the coding strand, the complement: COL4A1 is on the minus strand). VCF-style: chr13-110205398-A-T. GRCh37 (hg19) VCF-style: chr13-110857745-A-T.
Other names: c.912T>A, p.Pro304= (NM_001303110.2).
Identifiers: ClinVar variation 1316030 (VCV001316030.2), dbSNP rs770951433, ClinGen allele CA484791418.

ClinVar aggregate classification (germline): Uncertain significance (1 of 4 stars; one submission).

Allele frequency attached by ClinVar (database versions not stated): TOPMed below 0.00001.

Submission:

GeneDx
Classification: Uncertain significance. Last evaluated: 2020-01-11. Review status: criteria provided, single submitter. Criteria: GeneDx Variant Classification Process June 2021. Collection method: clinical testing. Allele origin: germline. Affected: yes.
Comment: Not observed in large population cohorts (Lek et al., 2016); Has not been previously published as pathogenic or benign to our knowledge; In silico analysis suggests this variant may impact gene splicing. In the absence of RNA/functional studies, the actual effect of this sequence change is unknown.